The following is an entry in ClinVar:

ClinVar aggregate classification (germline): Likely pathogenic (1 of 4 stars; one submission).

gnomAD v4.1: 1 of 1,612,096 alleles (0.000062%); highest among the groups gnomAD compares: Non-Finnish European, 0.000085%; no homozygotes.

Submission:

GeneDx
Classification: Likely pathogenic. Last evaluated: 2026-01-14. Review status: criteria provided, single submitter. Criteria: GeneDx Variant Classification Process June 2021. Collection method: clinical testing. Allele origin: germline. Affected: yes.
Comment: Not observed at significant frequency in large population cohorts (gnomAD); In silico analysis supports that this missense variant has a deleterious effect on protein structure/function; Has not been previously published as pathogenic or benign germline variant to our knowledge; This variant is associated with the following publications: (PMID: 25515738)

NM_012154.5(AGO2):c.1879G>A (p.Ala627Thr)

Gene: AGO2 (argonaute RISC catalytic component 2; minus strand). Cytogenetic location: 8q24.3.
Variant type: single nucleotide variant.
Coding change: c.1879G>A on transcript NM_012154.5 (MANE Select); coding-DNA position 1879, G replaced by A.
Protein change: p.Ala627Thr; replaces alanine 627 with threonine.
Molecular consequence: missense variant.
Genome position (GRCh38, 1-based): chr8:140,541,319, C>T on the plus strand (G>A on the coding strand, the complement: AGO2 is on the minus strand). VCF-style: chr8-140541319-C-T. GRCh37 (hg19) VCF-style: chr8-141551418-C-T.
Other names: c.1879G>A, p.Ala627Thr (NM_001164623.3); short protein forms A627T.
Identifiers: ClinVar variation 3602162 (VCV003602162.3).